The following is an entry in ClinVar:

NM_002529.4(NTRK1):c.508G>A (p.Val170Met)

Gene: NTRK1 (neurotrophic receptor tyrosine kinase 1; plus strand). Cytogenetic location: 1q23.1.
Variant type: single nucleotide variant.
Coding change: c.508G>A on transcript NM_002529.4 (MANE Select); coding-DNA position 508, G replaced by A.
Protein change: p.Val170Met; replaces valine 170 with methionine.
Molecular consequence: missense variant.
Genome position (GRCh38, 1-based): chr1:156,868,183, G>A. VCF-style: chr1-156868183-G-A. GRCh37 (hg19) VCF-style: chr1-156837975-G-A.
Other names: c.418G>A, p.Val140Met (NM_001007792.1); c.508G>A, p.Val170Met (NM_001012331.2); short protein forms V140M, V170M.
Identifiers: ClinVar variation 1019599 (VCV001019599.8), dbSNP rs1558100405, ClinGen allele CA342933825.

ClinVar aggregate classification (germline): Uncertain significance (1 of 4 stars; one submission).

Conditions:
Hereditary insensitivity to pain with anhidrosis (CIPA). Also called: INSENSITIVITY TO PAIN, CONGENITAL, WITH ANHIDROSIS; NTRK1 Congenital Insensitivity to Pain with Anhidrosis; FAMILIAL DYSAUTONOMIA, TYPE II; NEUROPATHY, CONGENITAL SENSORY, WITH ANHIDROSIS; hereditary sensory and autonomic neuropathy type 4; HSAN Type IV. Identifiers: Orphanet 642, MedGen C0020074, MONDO:0009746, OMIM 256800.

Submission:

Labcorp Genetics (formerly Invitae), Labcorp
Classification: Uncertain significance for Hereditary insensitivity to pain with anhidrosis. Last evaluated: 2020-03-15. Review status: criteria provided, single submitter. Criteria: Invitae Variant Classification Sherloc (09022015). Collection method: clinical testing. Allele origin: germline.
Comment: In summary, the available evidence is currently insufficient to determine the role of this variant in disease. Therefore, it has been classified as a Variant of Uncertain Significance. Algorithms developed to predict the effect of missense changes on protein structure and function are either unavailable or do not agree on the potential impact of this missense change (SIFT: "Deleterious"; PolyPhen-2: "Benign"; Align-GVGD: "Class C0"). This variant has not been reported in the literature in individuals with NTRK1-related conditions. This variant is not present in population databases (ExAC no frequency). This sequence change replaces valine with methionine at codon 170 of the NTRK1 protein (p.Val170Met). The valine residue is moderately conserved and there is a small physicochemical difference between valine and methionine.